The following is an entry in ClinVar:

NM_003483.6(HMGA2):c.282+933T>C

Gene: HMGA2 (high mobility group AT-hook 2; plus strand). Cytogenetic location: 12q14.3.
Variant type: single nucleotide variant.
Coding change: c.282+933T>C on transcript NM_003483.6 (MANE Select); 933 bases into the intron after coding-DNA position 282, T replaced by C.
Molecular consequence: intron variant.
Genome position (GRCh38, 1-based): chr12:65,952,348, T>C. VCF-style: chr12-65952348-T-C. GRCh37 (hg19) VCF-style: chr12-66346128-T-C.
Other names: c.283-8T>C (NM_001300918.1).
Identifiers: ClinVar variation 2578687 (VCV002578687.25), dbSNP rs142432942, ClinGen allele CA6671911.

ClinVar aggregate classification (germline): Benign (1 of 4 stars; one submission).

Allele frequency attached by ClinVar (database versions not stated): 1000 Genomes Project 30x 0.00328; 1000 Genomes Project 0.00359; TOPMed 0.00461; ExAC 0.00465; gnomAD 0.00813; gnomAD exomes 0.00825.
gnomAD v4.1: 12,559 of 1,533,102 alleles (0.82%); highest among the groups gnomAD compares: Non-Finnish European, 0.87%; 68 homozygotes.

Submission:

CeGaT Center for Human Genetics Tuebingen
Classification: Benign. Last evaluated: 2026-09-01. Review status: criteria provided, single submitter. Criteria: CeGaT Center For Human Genetics Tuebingen Variant Classification Criteria Version 2. Collection method: clinical testing. Allele origin: germline. Affected: yes. Observed: 9 variant alleles.
Comment: HMGA2: BS1, BS2